The following is an entry in ClinVar:

NM_006514.4(SCN10A):c.692-4G>A

Gene: SCN10A (sodium voltage-gated channel alpha subunit 10; minus strand). Cytogenetic location: 3p22.2.
Variant type: single nucleotide variant.
Coding change: c.692-4G>A on transcript NM_006514.4 (MANE Select); 4 bases into the intron before coding-DNA position 692, G replaced by A.
Molecular consequence: intron variant.
Genome position (GRCh38, 1-based): chr3:38,761,387, C>T on the plus strand (G>A on the coding strand, the complement: SCN10A is on the minus strand). VCF-style: chr3-38761387-C-T. GRCh37 (hg19) VCF-style: chr3-38802878-C-T.
Other names: c.692-4G>A (NM_001293307.2, NM_001293306.2).
Identifiers: ClinVar variation 700397 (VCV000700397.13), dbSNP rs373083732, ClinGen allele CA2321096.
Genomic context (GRCh38, chr3:38,761,387, plus strand): 5'-TCACATCAGCCAGTTTCTTCACTGAGTGAATCAGGGCCCCCACAATGACCTTCAGGCCTG[C>T]GGGAAGATGACAGTGGTATGACCACATGGATGAGGTAGCACACACGGAGCACACTTCTTC-3'

ClinVar aggregate classification (germline): Likely benign. Review status: criteria provided, multiple submitters, no conflicts (2 of 4 stars). 3 submissions from 3 submitters: Likely benign (2). 1 of the submissions does not count toward it. Last evaluated 2026-01-06.

Conditions:
Brugada syndrome. Also called: Sudden unexpected nocturnal death syndrome; Sudden Unexplained Death Syndrome; Sudden Unexplained Nocturnal Death Syndrome (SUNDS); Sudden unexplained nocturnal death syndrome. Identifiers: Orphanet 130, MedGen C1142166, MONDO:0015263.
Cardiovascular phenotype. Identifiers: MedGen CN230736.
SCN10A-related disorder. Also called: SCN10A-related condition.

Allele frequency attached by ClinVar (database versions not stated): gnomAD exomes 0.00006; gnomAD 0.00009; TOPMed 0.00012; ESP Exome Variant Server 0.00015.
gnomAD v4.1: 93 of 1,610,276 alleles (0.0058%); highest among the groups gnomAD compares: East Asian, 0.091%; no homozygotes.

Submissions (3):

Labcorp Genetics (formerly Invitae), Labcorp
Classification: Likely benign for Brugada syndrome. Last evaluated: 2026-01-06. Review status: criteria provided, single submitter. Criteria: Invitae Variant Classification Sherloc (09022015). Collection method: clinical testing. Allele origin: germline.

Ambry Genetics
Classification: Likely benign for Cardiovascular phenotype. Last evaluated: 2019-11-26. Review status: criteria provided, single submitter. Criteria: Ambry Variant Classification Scheme 2023. Collection method: clinical testing. Allele origin: germline.

PreventionGenetics, part of Exact Sciences
Classification: Likely benign for SCN10A-related condition. Last evaluated: 2020-01-14. Review status: no assertion criteria provided. Collection method: clinical testing. Allele origin: germline. Not counted in ClinVar's aggregate classification.
Comment: This variant is classified as likely benign based on ACMG/AMP sequence variant interpretation guidelines (Richards et al. 2015 PMID: 25741868, with internal and published modifications).